The following is an entry in ClinVar:

NM_000057.4(BLM):c.182G>C (p.Arg61Thr)

Gene: BLM (BLM RecQ like helicase; plus strand). Cytogenetic location: 15q26.1.
Variant type: single nucleotide variant.
Coding change: c.182G>C on transcript NM_000057.4 (MANE Select); coding-DNA position 182, G replaced by C.
Protein change: p.Arg61Thr; replaces arginine 61 with threonine.
Molecular consequence: missense variant. On other transcripts: 5 prime UTR variant (1).
Genome position (GRCh38, 1-based): chr15:90,749,450, G>C. VCF-style: chr15-90749450-G-C. GRCh37 (hg19) VCF-style: chr15-91292680-G-C.
Other names: c.182G>C (NM_000057.2); c.182G>C, p.Arg61Thr (NM_001287246.2, NM_001287247.2); c.-1110G>C (NM_001287248.2); short protein forms R61T.
Identifiers: ClinVar variation 1512199 (VCV001512199.10), dbSNP rs1060500644, ClinGen allele CA393839601.

ClinVar aggregate classification (germline): Uncertain significance. Review status: criteria provided, multiple submitters, no conflicts (2 of 4 stars). 2 submissions from 2 submitters: Uncertain significance (2). Last evaluated 2025-06-21.

Conditions:
Hereditary cancer-predisposing syndrome. Also called: Hereditary neoplastic syndrome; Neoplastic Syndromes, Hereditary; Tumor predisposition; Hereditary Cancer Syndrome. Identifiers: Orphanet 140162, MedGen C0027672, MeSH D009386, MONDO:0015356.
Bloom syndrome (BLM). Also called: Bloom-Torre-Machacek syndrome. Identifiers: Orphanet 125, MedGen C0005859, MONDO:0008876, OMIM 210900.

Allele frequency attached by ClinVar (database versions not stated): gnomAD exomes 0.00001.
gnomAD v4.1: 3 of 1,611,948 alleles (0.00019%); highest among the groups gnomAD compares: Middle Eastern, 0.017%; no homozygotes.

Submissions (2):

Ambry Genetics
Classification: Uncertain significance for Hereditary cancer-predisposing syndrome. Last evaluated: 2025-06-21. Review status: criteria provided, single submitter. Criteria: Ambry Variant Classification Scheme 2023. Collection method: clinical testing. Allele origin: germline.
Comment: The p.R61T variant (also known as c.182G>C), located in coding exon 2 of the BLM gene, results from a G to C substitution at nucleotide position 182. The arginine at codon 61 is replaced by threonine, an amino acid with similar properties. This amino acid position is poorly conserved in available vertebrate species. In addition, this alteration is predicted to be tolerated by in silico analysis. Since supporting evidence is limited at this time, the clinical significance of this alteration remains unclear.

Labcorp Genetics (formerly Invitae), Labcorp
Classification: Uncertain significance for Bloom syndrome. Last evaluated: 2021-07-18. Review status: criteria provided, single submitter. Criteria: Invitae Variant Classification Sherloc (09022015). Collection method: clinical testing. Allele origin: germline.
Comment: In summary, the available evidence is currently insufficient to determine the role of this variant in disease. Therefore, it has been classified as a Variant of Uncertain Significance. Algorithms developed to predict the effect of missense changes on protein structure and function (SIFT, PolyPhen-2, Align-GVGD) all suggest that this variant is likely to be tolerated, but these predictions have not been confirmed by published functional studies and their clinical significance is uncertain. This variant has not been reported in the literature in individuals with BLM-related conditions. This variant is not present in population databases (ExAC no frequency). This sequence change replaces arginine with threonine at codon 61 of the BLM protein (p.Arg61Thr). The arginine residue is weakly conserved and there is a moderate physicochemical difference between arginine and threonine.